The following is an entry in ClinVar:

ClinVar aggregate classification (germline): Conflicting classifications of pathogenicity. Review status: criteria provided, conflicting classifications (1 of 4 stars). 6 submissions from 6 submitters: Uncertain significance (5); Likely benign (1). Last evaluated 2025-06-09.

Conditions:
Hereditary cancer-predisposing syndrome. Also called: Tumor predisposition; Hereditary Cancer Syndrome; Neoplastic Syndromes, Hereditary; Hereditary neoplastic syndrome. Identifiers: Orphanet 140162, MedGen C0027672, MeSH D009386, MONDO:0015356.
Hereditary breast ovarian cancer syndrome. Also called: Hereditary breast and ovarian cancer; Breast and ovarian cancer; Hereditary breast and/or ovarian cancer syndrome; Hereditary breast and ovarian cancer syndrome; BRCA1- and BRCA2-Associated Hereditary Breast and Ovarian Cancer; Hereditary breast and ovarian cancer syndrome (HBOC). Identifiers: Orphanet 145, MedGen C0677776, MeSH D061325, MONDO:0003582. Disease mechanism: loss of function.

Allele frequency attached by ClinVar (database versions not stated): gnomAD exomes below 0.00001; ExAC 0.00001.
gnomAD v4.1: 1 of 1,613,532 alleles (0.000062%); highest among the groups gnomAD compares: Non-Finnish European, 0.000085%; no homozygotes.

Submissions (6):

Color Diagnostics, LLC DBA Color Health
Classification: Uncertain significance for Hereditary cancer-predisposing syndrome. Last evaluated: 2025-06-09. Review status: criteria provided, single submitter. Criteria: ACMG Guidelines, 2015. Collection method: clinical testing. Allele origin: germline.
Comment: This missense variant replaces leucine with phenylalanine at codon 914 of the BRCA2 protein. Computational prediction suggests that this variant may not impact protein structure and function. To our knowledge, functional studies have not been reported for this variant. This variant has been detected in a breast cancer case-control meta-analysis in 0/60466 cases and 1/53461 unaffected individuals (PMID: 33471991Leiden Open Variation Database DB-ID BRCA2_007989). This variant has been identified in 1/250452 chromosomes in the general population by the Genome Aggregation Database (gnomAD). The available evidence is insufficient to determine the role of this variant in disease conclusively. Therefore, this variant is classified as a Variant of Uncertain Significance.

Labcorp Genetics (formerly Invitae), Labcorp
Classification: Uncertain significance for Hereditary breast ovarian cancer syndrome. Last evaluated: 2025-01-06. Review status: criteria provided, single submitter. Criteria: Invitae Variant Classification Sherloc (09022015). Collection method: clinical testing. Allele origin: germline.
Comment: This sequence change replaces leucine, which is neutral and non-polar, with phenylalanine, which is neutral and non-polar, at codon 914 of the BRCA2 protein (p.Leu914Phe). This variant is present in population databases (rs759767392, gnomAD 0.0009%). This variant has not been reported in the literature in individuals affected with BRCA2-related conditions. ClinVar contains an entry for this variant (Variation ID: 821749). Invitae Evidence Modeling of protein sequence and biophysical properties (such as structural, functional, and spatial information, amino acid conservation, physicochemical variation, residue mobility, and thermodynamic stability) indicates that this missense variant is not expected to disrupt BRCA2 protein function with a negative predictive value of 95%. In summary, the available evidence is currently insufficient to determine the role of this variant in disease. Therefore, it has been classified as a Variant of Uncertain Significance.

Ambry Genetics
Classification: Uncertain significance for Hereditary cancer-predisposing syndrome. Last evaluated: 2023-11-18. Review status: criteria provided, single submitter. Criteria: Ambry Variant Classification Scheme 2023. Collection method: clinical testing. Allele origin: germline.
Comment: The p.L914F variant (also known as c.2742G>C), located in coding exon 10 of the BRCA2 gene, results from a G to C substitution at nucleotide position 2742. The leucine at codon 914 is replaced by phenylalanine, an amino acid with highly similar properties. This amino acid position is poorly conserved in available vertebrate species. In addition, this alteration is predicted to be tolerated by in silico analysis. Since supporting evidence is limited at this time, the clinical significance of this alteration remains unclear.

University of Washington Department of Laboratory Medicine, University of Washington
Classification: Likely benign for Hereditary cancer-predisposing syndrome. Last evaluated: 2023-03-23. Review status: criteria provided, single submitter. Criteria: Dines et al. (Genet Med. 2020). Collection method: curation. Allele origin: germline.
Comment: Missense variant in a coldspot region where missense variants are very unlikely to be pathogenic (PMID:31911673).

BRCA2 exon 11 coldspot. Reclassification based on statistical prior probability.

GeneDx
Classification: Uncertain significance. Last evaluated: 2022-11-03. Review status: criteria provided, single submitter. Criteria: GeneDx Variant Classification Process June 2021. Collection method: clinical testing. Allele origin: germline. Affected: yes.
Comment: Not observed at significant frequency in large population cohorts (gnomAD); In silico analysis supports that this missense variant does not alter protein structure/function; Has not been previously published as pathogenic or benign to our knowledge; Also known as 2970G>C

Quest Diagnostics Nichols Institute San Juan Capistrano
Classification: Uncertain significance. Last evaluated: 2019-11-15. Review status: criteria provided, single submitter. Criteria: Quest Diagnostics criteria. Collection method: clinical testing. Allele origin: unknown.

Literature cited by the submitters: PubMed 33471991 (cited by Color Diagnostics, LLC DBA Color Health).

NM_000059.4(BRCA2):c.2742G>C (p.Leu914Phe)

Gene: BRCA2 (BRCA2 DNA repair associated; plus strand). Cytogenetic location: 13q13.1.
Variant type: single nucleotide variant.
Coding change: c.2742G>C on transcript NM_000059.4 (MANE Select); coding-DNA position 2742, G replaced by C.
Protein change: p.Leu914Phe; replaces leucine 914 with phenylalanine.
Molecular consequence: missense variant.
Genome position (GRCh38, 1-based): chr13:32,337,097, G>C. VCF-style: chr13-32337097-G-C. GRCh37 (hg19) VCF-style: chr13-32911234-G-C.
Other names: short protein forms L914F.
Identifiers: ClinVar variation 821749 (VCV000821749.16), dbSNP rs759767392, ClinGen allele CA6940627.